The following is an entry in ClinVar:

ClinVar aggregate classification (germline): Likely benign (1 of 4 stars; one submission).

Conditions:
Xeroderma pigmentosum, group F (XPF). Also called: XERODERMA PIGMENTOSUM, TYPE F; Xeroderma pigmentosum, type 6; XERODERMA PIGMENTOSUM, COMPLEMENTATION GROUP F; XERODERMA PIGMENTOSUM VI; XP, GROUP F; ERCC4-Related Xeroderma Pigmentosum. Identifiers: MedGen C0268140, MONDO:0010215, OMIM 278760.

Allele frequency attached by ClinVar (database versions not stated): gnomAD exomes 0.00043; gnomAD 0.00285 and 0.00312; 1000 Genomes Project 0.00339; TOPMed 0.00368; 1000 Genomes Project 30x 0.00375.
gnomAD v4.1: 454 of 187,180 alleles (0.24%); highest among the groups gnomAD compares: African/African-American, 0.97%; 1 homozygote.

Submission:

Illumina Laboratory Services, Illumina
Classification: Likely benign for Xeroderma pigmentosum, group F. Last evaluated: 2018-01-12. Review status: criteria provided, single submitter. Criteria: ICSL Variant Classification Criteria 13 December 2019. Collection method: clinical testing. Allele origin: germline.
Comment: This variant was observed in the ICSL laboratory as part of a predisposition screen in an ostensibly healthy population. It had not been previously curated by ICSL or reported in the Human Gene Mutation Database (HGMD: prior to June 1st, 2018), and was therefore a candidate for classification through an automated scoring system. Utilizing variant allele frequency, disease prevalence and penetrance estimates, and inheritance mode, an automated score was calculated to assess if this variant is too frequent to cause the disease. Based on the score and internal cut-off values, a variant classified as likely benign is not then subjected to further curation. The score for this variant resulted in a classification of likely benign for this disease.

NM_005236.3(ERCC4):c.*3911C>T

Gene: ERCC4 (ERCC excision repair 4, endonuclease catalytic subunit; plus strand). Cytogenetic location: 16p13.12.
Variant type: single nucleotide variant.
Coding change: c.*3911C>T on transcript NM_005236.3 (MANE Select); 3911 bases downstream of the stop codon, C replaced by T.
Molecular consequence: 3 prime UTR variant.
Genome position (GRCh38, 1-based): chr16:13,952,258, C>T. VCF-style: chr16-13952258-C-T. GRCh37 (hg19) VCF-style: chr16-14046115-C-T.
Identifiers: ClinVar variation 885189 (VCV000885189.4), dbSNP rs552082015, ClinGen allele CA278488173.